The following is an entry in ClinVar:

NM_022124.6(CDH23):c.8309_8316del (p.Ala2770fs)

Gene: CDH23 (cadherin related 23; plus strand). Cytogenetic location: 10q22.1.
Variant type: Deletion.
Coding change: c.8309_8316del on transcript NM_022124.6 (MANE Select); coding-DNA positions 8309 to 8316, 8 bases deleted (CCGGCAAC; older notation c.8309_8316delCCGGCAAC).
Protein change: p.Ala2770fs; shifts the reading frame from alanine 2770.
Molecular consequence: frameshift variant.
Genome position (GRCh38, 1-based): chr10:71,807,516-71,807,523, CCGGCAAC deleted. VCF-style (leftmost placement, unchanged base first): chr10-71807515-GCCGGCAAC-G. GRCh37 (hg19) VCF-style: chr10-73567272-GCCGGCAAC-G.
Other names: c.1589_1596del, p.Ala530fs (NM_001171933.1, NM_001171934.1); short protein forms A530fs, A2770fs.
Identifiers: ClinVar variation 1407702 (VCV001407702.6), dbSNP rs2132988621, ClinGen allele CA2573145284.

ClinVar aggregate classification (germline): Pathogenic (1 of 4 stars; one submission).

Submission:

Labcorp Genetics (formerly Invitae), Labcorp
Classification: Pathogenic. Last evaluated: 2024-03-11. Review status: criteria provided, single submitter. Criteria: Invitae Variant Classification Sherloc (09022015). Collection method: clinical testing. Allele origin: germline.
Comment: This sequence change creates a premature translational stop signal (p.Ala2770Glyfs*54) in the CDH23 gene. It is expected to result in an absent or disrupted protein product. Loss-of-function variants in CDH23 are known to be pathogenic (PMID: 11138009, 21940737). This variant is not present in population databases (gnomAD no frequency). This variant has not been reported in the literature in individuals affected with CDH23-related conditions. ClinVar contains an entry for this variant (Variation ID: 1407702). Algorithms developed to predict the effect of sequence changes on RNA splicing suggest that this variant may disrupt the consensus splice site. For these reasons, this variant has been classified as Pathogenic.

Literature cited by the submitters: PubMed 11138009; PubMed 21940737.